The following is an entry in ClinVar:

NM_001458.5(FLNC):c.352G>A (p.Asp118Asn)

Gene: FLNC (filamin C; plus strand). Cytogenetic location: 7q32.1.
Variant type: single nucleotide variant.
Coding change: c.352G>A on transcript NM_001458.5 (MANE Select); coding-DNA position 352, G replaced by A.
Protein change: p.Asp118Asn; replaces aspartic acid 118 with asparagine.
Molecular consequence: missense variant.
Genome position (GRCh38, 1-based): chr7:128,830,989, G>A. VCF-style: chr7-128830989-G-A. GRCh37 (hg19) VCF-style: chr7-128471043-G-A.
Other names: c.352G>A, p.Asp118Asn (NM_001127487.2); short protein forms D118N.
Identifiers: ClinVar variation 2948155 (VCV002948155.3), dbSNP rs2536605826, ClinGen allele CA369217216.

ClinVar aggregate classification (germline): Uncertain significance (1 of 4 stars; one submission).

Conditions:
Hypertrophic cardiomyopathy 26. Also called: Cardiomyopathy, familial hypertrophic, 26. Identifiers: Orphanet 75249, MedGen C4310749, MONDO:0014883, OMIM 617047.
Myofibrillar myopathy 5. Also called: Filaminopathy (type); FILAMINOPATHY, AUTOSOMAL DOMINANT. Identifiers: Orphanet 171445, MedGen C1836050, MONDO:0012289, OMIM 609524.
Distal myopathy with posterior leg and anterior hand involvement. Also called: WILLIAMS DISTAL MYOPATHY. Identifiers: Orphanet 63273, MedGen C3279722, MONDO:0013550, OMIM 614065.

Submission:

Labcorp Genetics (formerly Invitae), Labcorp
Classification: Uncertain significance for Distal myopathy with posterior leg and anterior hand involvement; Myofibrillar myopathy 5; Hypertrophic cardiomyopathy 26. Last evaluated: 2023-05-23. Review status: criteria provided, single submitter. Criteria: Invitae Variant Classification Sherloc (09022015). Collection method: clinical testing. Allele origin: germline.
Comment: This variant is not present in population databases (gnomAD no frequency). This sequence change replaces aspartic acid, which is acidic and polar, with asparagine, which is neutral and polar, at codon 118 of the FLNC protein (p.Asp118Asn). This variant also falls at the last nucleotide of exon 1, which is part of the consensus splice site for this exon. This variant has not been reported in the literature in individuals affected with FLNC-related conditions. In summary, the available evidence is currently insufficient to determine the role of this variant in disease. Therefore, it has been classified as a Variant of Uncertain Significance. Variants that disrupt the consensus splice site are a relatively common cause of aberrant splicing (PMID: 17576681, 9536098). An algorithm developed to predict the effect of missense changes on protein structure and function (PolyPhen-2) suggests that this variant is likely to be disruptive.

Literature cited by the submitters: PubMed 17576681; PubMed 9536098.